The following is an entry in ClinVar:

ClinVar aggregate classification (germline): Likely benign. Review status: criteria provided, multiple submitters, no conflicts (2 of 4 stars). 2 submissions from 2 submitters: Likely benign (2). Last evaluated 2026-01-28.

Conditions:
Infantile neuroaxonal dystrophy (NBIA2A). Also called: Infantile neuroaxonal dystrophy 1; NEURODEGENERATION WITH BRAIN IRON ACCUMULATION 2A; SEITELBERGER DISEASE. Identifiers: Orphanet 35069, MedGen C0270724, MONDO:0024457, OMIM 256600.

Allele frequency attached by ClinVar (database versions not stated): gnomAD 0.00001; gnomAD exomes 0.00001; TOPMed 0.00004.
gnomAD v4.1: 16 of 1,614,004 alleles (0.00099%); highest among the groups gnomAD compares: Admixed American, 0.0067%; no homozygotes.

Submissions (2):

Labcorp Genetics (formerly Invitae), Labcorp
Classification: Likely benign for Infantile neuroaxonal dystrophy. Last evaluated: 2026-01-28. Review status: criteria provided, single submitter. Criteria: Invitae Variant Classification Sherloc (09022015). Collection method: clinical testing. Allele origin: germline.

CeGaT Center for Human Genetics Tuebingen
Classification: Likely benign. Last evaluated: 2025-10-01. Review status: criteria provided, single submitter. Criteria: CeGaT Center For Human Genetics Tuebingen Variant Classification Criteria Version 2. Collection method: clinical testing. Allele origin: germline. Affected: yes. Observed: 1 variant allele.
Comment: PLA2G6: BP4, BP7

NM_003560.4(PLA2G6):c.669G>A (p.Pro223=)

Gene: PLA2G6 (phospholipase A2 group VI; minus strand). Cytogenetic location: 22q13.1.
Variant type: single nucleotide variant.
Coding change: c.669G>A on transcript NM_003560.4 (MANE Select); coding-DNA position 669, G replaced by A.
Protein change: p.Pro223=; no amino-acid change (proline 223 retained).
Molecular consequence: synonymous variant. On other transcripts: intron variant (1).
Genome position (GRCh38, 1-based): chr22:38,140,110, C>T on the plus strand (G>A on the coding strand, the complement: PLA2G6 is on the minus strand). VCF-style: chr22-38140110-C-T. GRCh37 (hg19) VCF-style: chr22-38536117-C-T.
Other names: c.669G>A, p.Pro223= (NM_001004426.3, NM_001199562.3, NM_001349864.2 and 2 more transcripts); c.135G>A, p.Pro45= (NM_001349867.2, NM_001349869.2); c.119+2995G>A (NM_001349868.2).
Identifiers: ClinVar variation 2057719 (VCV002057719.10), dbSNP rs944013168, ClinGen allele CA324207479.
Genomic context (GRCh38, chr22:38,140,110, plus strand): 5'-ATTGCACAGCAGCAGCACGCGGACCATCTCCTGCTTCCCCAGCTGGCAGGCCAGGTGCAG[C>T]GGGGTCAGCCCTTGGTTATTCACCTGGTTCAGGCCAGCCACTGCGTTCCTTCCAAGGAGC-3'
Protein context (NP_003551.2, residues 213-233): LNQVNNQGLT[Pro223=]LHLACQLGKQ